The following is an entry in ClinVar:

ClinVar aggregate classification (germline): Uncertain significance (1 of 4 stars; one submission).

Submission:

Labcorp Genetics (formerly Invitae), Labcorp
Classification: Uncertain significance. Last evaluated: 2022-02-19. Review status: criteria provided, single submitter. Criteria: Invitae Variant Classification Sherloc (09022015). Collection method: clinical testing. Allele origin: germline.
Comment: This sequence change falls in intron 40 of the CACNA1F gene. It does not directly change the encoded amino acid sequence of the CACNA1F protein. It affects a nucleotide within the consensus splice site. This variant is not present in population databases (gnomAD no frequency). This variant has not been reported in the literature in individuals affected with CACNA1F-related conditions. Variants that disrupt the consensus splice site are a relatively common cause of aberrant splicing (PMID: 17576681, 9536098). Algorithms developed to predict the effect of sequence changes on RNA splicing suggest that this variant may disrupt the consensus splice site. In summary, the available evidence is currently insufficient to determine the role of this variant in disease. Therefore, it has been classified as a Variant of Uncertain Significance.

Literature cited by the submitters: PubMed 17576681; PubMed 9536098.

NM_001256789.3(CACNA1F):c.4690+4dup

Genes: CACNA1F (calcium voltage-gated channel subunit alpha1 F; minus strand), LOC126863257 (BRD4-independent group 4 enhancer GRCh37_chrX:49065732-49066931; plus strand). Cytogenetic location: Xp11.23.
Variant type: Duplication.
Coding change: c.4690+4dup on transcript NM_001256789.3 (MANE Select); 4 bases into the intron after coding-DNA position 4690, one base duplicated (A; older notation c.4690+4dupA).
Molecular consequence: intron variant.
Genome position (GRCh38, 1-based): chrX:49,209,937, T duplicated on the plus strand (A on the coding strand, the reverse complement: CACNA1F is on the minus strand). VCF-style (leftmost placement, unchanged base first): chrX-49209936-C-CT. GRCh37 (hg19) VCF-style: chrX-49066396-C-CT.
Other names: c.4723+4dup (NM_005183.4); c.4528+4dup (NM_001256790.3).
Identifiers: ClinVar variation 2099795 (VCV002099795.4), dbSNP rs2520756334, ClinGen allele CA2580101108.